The following is an entry in ClinVar:

NM_003430.4(ZNF91):c.1638C>G (p.Tyr546Ter)

Gene: ZNF91 (zinc finger protein 91; minus strand). Cytogenetic location: 19p12.
Variant type: single nucleotide variant.
Coding change: c.1638C>G on transcript NM_003430.4 (MANE Select); coding-DNA position 1638, C replaced by G.
Protein change: p.Tyr546Ter; replaces tyrosine 546 with a stop codon.
Molecular consequence: nonsense.
Genome position (GRCh38, 1-based): chr19:23,361,341, G>C on the plus strand (C>G on the coding strand, the complement: ZNF91 is on the minus strand). VCF-style: chr19-23361341-G-C. GRCh37 (hg19) VCF-style: chr19-23544143-G-C.
Other names: NM_001300951.2:c.1542C>G; c.1542C>G, p.Tyr514Ter (NM_001300951.2); short protein forms Y514*, Y546*.
Identifiers: ClinVar variation 3252069 (VCV003252069.1), dbSNP rs1269137773.
Genomic context (GRCh38, chr19:23,361,341, plus strand): 5'-TATTTTATGTGTAGTAAGGGTTGAGAATTGCTTAAAAGCTTTGCCACATTCTTTACATTT[G>C]TAGGGTTTCTCTCTACTATGAATTATCTTATGTTTATTAAGGGTTAAGGATTGTCTAAAA-3'

ClinVar aggregate classification (germline): Uncertain significance (1 of 4 stars; one submission).

Conditions:
Retinal dystrophy. Also called: Inherited retinal dystrophy. Identifiers: Orphanet 71862, MedGen C0854723, MeSH D058499, MONDO:0019118, HP:0000556.
Congenital nephrotic syndrome. Also called: Familial nephrotic syndrome. Identifiers: MedGen C3501848, MeSH C535761, MONDO:0002350, HP:0008677.
Microphthalmia. Also called: Microphthalmos. Identifiers: MedGen C0026010, MONDO:0021129, HP:0000568.
Cataract. Also called: Cataract (disease); cataracts. Identifiers: MedGen C0086543, MeSH D002386, MONDO:0005129, HP:0000518.
Microcephaly. Also called: Microcephaly (disease). Identifiers: MedGen C4551563, MONDO:0001149, HP:0000252.

Submission:

Broad Center for Mendelian Genomics, Broad Institute of MIT and Harvard
Classification: Uncertain significance for Microphthalmia; Cataract; Retinal dystrophy; Congenital nephrotic syndrome; Microcephaly. Last evaluated: 2024-06-19. Review status: criteria provided, single submitter. Criteria: ACMG Guidelines, 2015. Collection method: curation. Allele origin: germline. Study: GREGoR Consortium.
Comment: While this gene is still lacking sufficient evidence to establish a gene-disease relationship, we believe this is a possible novel gene candidate. Given the limited information about this gene-disease relationship, the significance of the p.Tyr546del variant is uncertain. If you have any additional information about functional evidence or other individuals with this phenotype that also have variants in ZNF91 we encourage you to reach out to us.